The following is an entry in ClinVar:

NM_015202.5(KATNIP):c.3976-2A>G

Genes: KATNIP (katanin interacting protein; plus strand), LOC126862323 (P300/CBP strongly-dependent group 1 enhancer GRCh37_chr16:27780758-27781957; plus strand). Cytogenetic location: 16p12.1.
Variant type: single nucleotide variant.
Coding change: c.3976-2A>G on transcript NM_015202.5 (MANE Select); the canonical splice acceptor site of the intron before coding-DNA position 3976, A replaced by G.
Molecular consequence: splice acceptor variant.
Genome position (GRCh38, 1-based): chr16:27,769,859, A>G. VCF-style: chr16-27769859-A-G. GRCh37 (hg19) VCF-style: chr16-27781180-A-G.
Identifiers: ClinVar variation 4292626 (VCV004292626.1).
Genomic context (GRCh38, chr16:27,769,859, plus strand): 5'-CACCGCTTCTGTCCCCACATGGCCTGCCTCCCTTCAGTCATGTTATTTCTTTTGTTTGCC[A>G]GGCCAAGATTGTCCACGTCTCCCTGGATGGCCTGTGCGTCTCCCCGCCAGAGGGCTTTCT-3'

ClinVar aggregate classification (germline): Likely pathogenic (1 of 4 stars; one submission).

Conditions:
Joubert syndrome 26 (JBTS26). Identifiers: Orphanet 475, MedGen C4084843, MONDO:0014771, OMIM 616784.

Submission:

3billion
Classification: Likely pathogenic for Joubert syndrome 26. Last evaluated: 2024-12-26. Review status: criteria provided, single submitter. Criteria: ACMG Guidelines, 2015. Collection method: clinical testing. Allele origin: germline. Affected: yes.
Comment: The variant is not observed in the gnomAD v4.1.0 dataset. Predicted Consequence/Location: Canonical splice site: predicted to alter splicing and result in a loss or disruption of normal protein function. Multiple pathogenic loss-of-function variants are reported downstream of the variant. In silico tools predict the variant to alter splicing and produce an abnormal transcript [SpliceAI: 1.00 (spliceogenicity >=0.2, non-spliceogenicity <0.1)]. Therefore, this variant is classified as Likely pathogenic according to the recommendation of ACMG/AMP guideline.